The following is an entry in ClinVar:

ClinVar aggregate classification (germline): Uncertain significance (1 of 4 stars; one submission).

Submission:

OLLIN Analises Genomicas, OLLIN
Classification: Uncertain significance. Last evaluated: 2026-08-06. Review status: criteria provided, single submitter. Criteria: ACMG Guidelines 2015 PMID 25741868. Collection method: clinical testing. Allele origin: germline.
Comment: This missense variant, located in exon 7 (of 12), has been reported in ClinVar (accession VCV000910707.5) and in gnomAD with an allele frequency of 0.00019%. However, to our knowledge, it has not been reported in the scientific literature. In silico analysis is inconclusive regarding the impact of this variant. According to the currently available evidence, this variant has been classified as uncertain significance (PM2_P).

NM_130849.4(SLC39A4):c.1225G>A (p.Gly409Arg)

Gene: SLC39A4 (solute carrier family 39 member 4; minus strand). Cytogenetic location: 8q24.3.
Variant type: single nucleotide variant.
Coding change: c.1225G>A on transcript NM_130849.4 (MANE Select); coding-DNA position 1225, G replaced by A.
Protein change: p.Gly409Arg; replaces glycine 409 with arginine.
Molecular consequence: missense variant.
Genome position (GRCh38, 1-based): chr8:144,414,020, C>T on the plus strand (G>A on the coding strand, the complement: SLC39A4 is on the minus strand). VCF-style: chr8-144414020-C-T. GRCh37 (hg19) VCF-style: chr8-145639404-C-T.
Other names: c.943G>A, p.Gly315Arg (NM_001374839.1); c.1150G>A, p.Gly384Arg (NM_017767.3); short protein forms G315R, G384R, G409R.
Identifiers: ClinVar variation 5003039 (VCV005003039.1).